The following is an entry in ClinVar:

ClinVar aggregate classification (germline): Uncertain significance. Review status: criteria provided, multiple submitters, no conflicts (2 of 4 stars). 2 submissions from 2 submitters: Uncertain significance (2). Last evaluated 2025-06-11.

Submissions (2):

GeneDx
Classification: Uncertain significance. Last evaluated: 2025-06-11. Review status: criteria provided, single submitter. Criteria: GeneDx Variant Classification Process June 2021. Collection method: clinical testing. Allele origin: germline.
Comment: Not observed at significant frequency in large population cohorts (gnomAD); In silico analysis supports that this missense variant has a deleterious effect on protein structure/function; Has not been previously published as pathogenic or benign to our knowledge

Blueprint Genetics
Classification: Uncertain significance. Last evaluated: 2019-12-16. Review status: criteria provided, single submitter. Criteria: ACMG Guidelines, 2015. Collection method: clinical testing. Allele origin: germline.

NM_194248.3(OTOF):c.4667T>A (p.Met1556Lys)

Gene: OTOF (otoferlin; minus strand). Cytogenetic location: 2p23.3.
Variant type: single nucleotide variant.
Coding change: c.4667T>A on transcript NM_194248.3 (MANE Select); coding-DNA position 4667, T replaced by A.
Protein change: p.Met1556Lys; replaces methionine 1556 with lysine.
Molecular consequence: missense variant.
Genome position (GRCh38, 1-based): chr2:26,465,804, A>T on the plus strand (T>A on the coding strand, the complement: OTOF is on the minus strand). VCF-style: chr2-26465804-A-T. GRCh37 (hg19) VCF-style: chr2-26688672-A-T.
Other names: c.4667T>A, p.Met1556Lys (NM_001287489.2); c.2366T>A, p.Met789Lys (NM_004802.4, NM_194323.3); c.2597T>A, p.Met866Lys (NM_194322.3); short protein forms M1556K, M789K, M866K.
Identifiers: ClinVar variation 2504973 (VCV002504973.3), dbSNP rs1273912224, ClinGen allele CA346135636.